The following is an entry in ClinVar:

NM_012108.4(STAP1):c.421G>T (p.Val141Phe)

Gene: STAP1 (signal transducing adaptor family member 1; plus strand). Cytogenetic location: 4q13.2.
Variant type: single nucleotide variant.
Coding change: c.421G>T on transcript NM_012108.4 (MANE Select); coding-DNA position 421, G replaced by T.
Protein change: p.Val141Phe; replaces valine 141 with phenylalanine.
Molecular consequence: missense variant.
Genome position (GRCh38, 1-based): chr4:67,581,362, G>T. VCF-style: chr4-67581362-G-T. GRCh37 (hg19) VCF-style: chr4-68447080-G-T.
Other names: c.421G>T, p.Val141Phe (NM_001317769.2); short protein forms V141F.
Identifiers: ClinVar variation 4176151 (VCV004176151.1).

ClinVar aggregate classification (germline): Uncertain significance (1 of 4 stars; one submission).

gnomAD v4.1: 1 of 1,613,980 alleles (0.000062%); highest among the groups gnomAD compares: African/African-American, 0.0013%; no homozygotes.

Submission:

Ambry Genetics
Classification: Uncertain significance. Last evaluated: 2025-07-30. Review status: criteria provided, single submitter. Criteria: Ambry Variant Classification Scheme 2023. Collection method: clinical testing. Allele origin: germline.
Comment: The p.V141F variant (also known as c.421G>T), located in coding exon 5 of the STAP1 gene, results from a G to T substitution at nucleotide position 421. The valine at codon 141 is replaced by phenylalanine, an amino acid with highly similar properties. This amino acid position is conserved. In addition, this alteration is predicted to be tolerated by in silico analysis. Based on the available evidence, the clinical significance of this variant remains unclear.